The following is an entry in ClinVar:

ClinVar aggregate classification (germline): Uncertain significance (1 of 4 stars; one submission).

Submission:

Labcorp Genetics (formerly Invitae), Labcorp
Classification: Uncertain significance. Last evaluated: 2024-11-20. Review status: criteria provided, single submitter. Criteria: Invitae Variant Classification Sherloc (09022015). Collection method: clinical testing. Allele origin: germline.
Comment: This sequence change falls in intron 12 of the GFM2 gene. It does not directly change the encoded amino acid sequence of the GFM2 protein. The frequency data for this variant in the population databases is considered unreliable, as metrics indicate poor data quality at this position in the gnomAD database. This variant has not been reported in the literature in individuals affected with GFM2-related conditions. Algorithms developed to predict the effect of sequence changes on RNA splicing suggest that this variant may disrupt the consensus splice site. In summary, the available evidence is currently insufficient to determine the role of this variant in disease. Therefore, it has been classified as a Variant of Uncertain Significance.

NM_032380.5(GFM2):c.1080-7_1080-3del

Gene: GFM2 (GTP dependent ribosome recycling factor mitochondrial 2; minus strand). Cytogenetic location: 5q13.3.
Variant type: Microsatellite.
Coding change: c.1080-7_1080-3del on transcript NM_032380.5 (MANE Select); 7 bases into the intron before coding-DNA position 1080 through 3 bases into the intron before coding-DNA position 1080, 5 bases deleted (TTTAT; older notation c.1080-7_1080-3delTTTAT).
Molecular consequence: intron variant.
Genome position (GRCh38, 1-based): chr5:74,738,645-74,738,649, ATAAA deleted on the plus strand (TTTAT on the coding strand, the reverse complement: GFM2 is on the minus strand); deleting any 5 consecutive bases within chr5:74,738,645-74,738,654 gives the same sequence; the c. name uses the placement nearest the transcript's 3' end. VCF-style (leftmost placement, unchanged base first): chr5-74738644-TATAAA-T. GRCh37 (hg19) VCF-style: chr5-74034469-TATAAA-T.
Other names: c.1080-232_1080-228del (NM_170691.3); c.1176-7_1176-3del (NM_001281302.2); c.1080-7_1080-3del (NM_170681.3).
Identifiers: ClinVar variation 3725665 (VCV003725665.2).
Genomic context (GRCh38, chr5:74,738,644, plus strand): 5'-GCTGCTTGTCATGGAGAACTTTAAATGCCAATGCACATAAGTCATCCTTATACCACTGCC[TATAAA>T]ATAAACATTCCAAAAAGGCCTATAAAATACACTTCCCATAACTGCAGAAACTTAACCTTA-3'